The following is an entry in ClinVar:

Conditions:
Long QT syndrome 5 (LQT5). Identifiers: Orphanet 101016, Orphanet 768, MedGen C1867904, MONDO:0013372, OMIM 613695.

Submission:

Roden Lab, Vanderbilt University Medical Center
No classification provided (evidence only). Condition: Long QT syndrome 5. Review status: no classification provided. Collection method: in vitro. Allele origin: not applicable. Functional consequence: Effect on ion channel function.
ClinVar note: "not provided" was previously submitted as the classification for the variant. However, the classification appeared to be based only on an observation of functional data so it was converted to no classification on 2025-07-30.

NM_000219.6(KCNE1):c.306C>T (p.Ser102=)

Gene: KCNE1 (potassium voltage-gated channel subfamily E regulatory subunit 1; minus strand). Cytogenetic location: 21q22.12.
Variant type: single nucleotide variant.
Coding change: c.306C>T on transcript NM_000219.6 (MANE Select); coding-DNA position 306, C replaced by T.
Protein change: p.Ser102=; no amino-acid change (serine 102 retained).
Molecular consequence: synonymous variant.
Genome position (GRCh38, 1-based): chr21:34,449,329, G>A on the plus strand (C>T on the coding strand, the complement: KCNE1 is on the minus strand). VCF-style: chr21-34449329-G-A. GRCh37 (hg19) VCF-style: chr21-35821627-G-A.
Other names: c.306C>T, p.Ser102= (NM_001127669.4, NM_001127670.4, NM_001270402.3 and 4 more transcripts).
Identifiers: ClinVar variation 3374591 (VCV003374591.2).
Genomic context (GRCh38, chr21:34,449,329, plus strand): 5'-AAGGTGTGTGTTGGGTTGTTCTATGGCCAGATGGTTTTCAACGACATAGCACGACCTGTA[G>A]CTCTCCAGGACCCGGGCCTGGACATAGGCCTTGTCCTTCTCTTGCCAGGCATCGGACTCG-3'
Protein context (NP_000210.2, residues 92-112): KAYVQARVLE[Ser102=]YRSCYVVENH